The following is an entry in ClinVar:

ClinVar aggregate classification (germline): Uncertain significance. Review status: criteria provided, multiple submitters, no conflicts (2 of 4 stars). 2 submissions from 2 submitters: Uncertain significance (2). Last evaluated 2023-05-01.

Conditions:
Infantile neuroaxonal dystrophy (NBIA2A). Also called: SEITELBERGER DISEASE; Infantile neuroaxonal dystrophy 1; NEURODEGENERATION WITH BRAIN IRON ACCUMULATION 2A. Identifiers: Orphanet 35069, MedGen C0270724, MONDO:0024457, OMIM 256600.

Allele frequency attached by ClinVar (database versions not stated): ExAC 0.00009; 1000 Genomes Project 30x 0.00016; 1000 Genomes Project 0.00020.
gnomAD v4.1: 22 of 1,551,600 alleles (0.0014%); highest among the groups gnomAD compares: Middle Eastern, 0.02%; no homozygotes.

Submissions (2):

CeGaT Center for Human Genetics Tuebingen
Classification: Uncertain significance. Last evaluated: 2023-05-01. Review status: criteria provided, single submitter. Criteria: CeGaT Center For Human Genetics Tuebingen Variant Classification Criteria Version 2. Collection method: clinical testing. Allele origin: germline. Affected: yes. Observed: 1 variant allele.
Comment: PLA2G6: PM2:Supporting, PP3

Labcorp Genetics (formerly Invitae), Labcorp
Classification: Uncertain significance for Infantile neuroaxonal dystrophy. Last evaluated: 2022-03-30. Review status: criteria provided, single submitter. Criteria: Invitae Variant Classification Sherloc (09022015). Collection method: clinical testing. Allele origin: germline.
Comment: This sequence change affects codon 504 of the PLA2G6 mRNA. It is a 'silent' change, meaning that it does not change the encoded amino acid sequence of the PLA2G6 protein. This variant is present in population databases (rs201161254, gnomAD 0.01%). This variant has not been reported in the literature in individuals affected with PLA2G6-related conditions. Algorithms developed to predict the effect of sequence changes on RNA splicing suggest that this variant may create or strengthen a splice site. In summary, the available evidence is currently insufficient to determine the role of this variant in disease. Therefore, it has been classified as a Variant of Uncertain Significance.

NM_003560.4(PLA2G6):c.1512G>A (p.Ser504=)

Gene: PLA2G6 (phospholipase A2 group VI; minus strand). Cytogenetic location: 22q13.1.
Variant type: single nucleotide variant.
Coding change: c.1512G>A on transcript NM_003560.4 (MANE Select); coding-DNA position 1512, G replaced by A.
Protein change: p.Ser504=; no amino-acid change (serine 504 retained).
Molecular consequence: synonymous variant.
Genome position (GRCh38, 1-based): chr22:38,123,174, C>T on the plus strand (G>A on the coding strand, the complement: PLA2G6 is on the minus strand). VCF-style: chr22-38123174-C-T. GRCh37 (hg19) VCF-style: chr22-38519181-C-T.
Other names: c.1350G>A, p.Ser450= (NM_001004426.3, NM_001199562.3, NM_001349865.2 and 1 more transcripts); c.1512G>A, p.Ser504= (NM_001349864.2); c.978G>A, p.Ser326= (NM_001349867.2); c.834G>A, p.Ser278= (NM_001349868.2); c.816G>A, p.Ser272= (NM_001349869.2).
Identifiers: ClinVar variation 2154239 (VCV002154239.28), dbSNP rs201161254, ClinGen allele CA10230814.